The following is an entry in ClinVar:

NM_004360.5(CDH1):c.1976A>T (p.Glu659Val)

Gene: CDH1 (cadherin 1; plus strand). Cytogenetic location: 16q22.1.
Variant type: single nucleotide variant.
Coding change: c.1976A>T on transcript NM_004360.5 (MANE Select); coding-DNA position 1976, A replaced by T.
Protein change: p.Glu659Val; replaces glutamic acid 659 with valine.
Molecular consequence: missense variant.
Genome position (GRCh38, 1-based): chr16:68,823,438, A>T. VCF-style: chr16-68823438-A-T. GRCh37 (hg19) VCF-style: chr16-68857341-A-T.
Other names: c.1793A>T, p.Glu598Val (NM_001317184.2); c.428A>T, p.Glu143Val (NM_001317185.2); c.11A>T, p.Glu4Val (NM_001317186.2); short protein forms E143V, E598V, E4V, E659V.
Identifiers: ClinVar variation 4994653 (VCV004994653.1).
Genomic context (GRCh38, chr16:68,823,438, plus strand): 5'-TCTTTTTATTGCTTTCTCCAGCCCAAGAATCTATCATTTTGAAGCCAAAGATGGCCTTAG[A>T]GGTGGGTGACTACAAAATCAATCTCAAGCTCATGGATAACCAGAATAAAGACCAAGTGAC-3'
Protein context (NP_004351.1, residues 649-669): SIILKPKMAL[Glu659Val]VGDYKINLKL

ClinVar aggregate classification (germline): Uncertain significance (1 of 4 stars; one submission).

Conditions:
CDH1-related disorder. Also called: CDH1-related condition.

Submission:

PreventionGenetics, part of Exact Sciences
Classification: Uncertain significance for CDH1-related condition. Last evaluated: 2026-06-10. Review status: criteria provided, single submitter. Criteria: ACMG Guidelines, 2015. Collection method: clinical testing. Allele origin: germline.
Comment: The CDH1 c.1976A>T variant is predicted to result in the amino acid substitution p.Glu659Val. To our knowledge, this variant has not been reported in the literature or in a large population database (gnomAD), indicating this variant is rare. At this time, the clinical significance of this variant is uncertain due to the absence of conclusive functional and genetic evidence.